The following is an entry in ClinVar:

NC_000002.11:g.(?_44100916)_(44105062_?)del

Gene: ABCG8 (ATP binding cassette subfamily G member 8; plus strand). Cytogenetic location: 2p21.
Variant type: Deletion.
Identifiers: ClinVar variation 1067881 (VCV001067881.3).

ClinVar aggregate classification (germline): Likely pathogenic (1 of 4 stars; one submission).

Submission:

Labcorp Genetics (formerly Invitae), Labcorp
Classification: Likely pathogenic. Last evaluated: 2022-02-05. Review status: criteria provided, single submitter. Criteria: Invitae Variant Classification Sherloc (09022015). Collection method: clinical testing. Allele origin: germline.
Comment: In summary, the currently available evidence indicates that the variant is pathogenic, but additional data are needed to prove that conclusively. Therefore, this variant has been classified as Likely Pathogenic. This variant disrupts the C-terminus of the ABCG8 protein. Other variant(s) that disrupt this region (p.Val647Serfs*16, p.Tyr658*) have been observed in individuals with ABCG8-related conditions (PMID: 11099417, 22297561). This suggests that this may be a clinically significant region of the protein. This variant has not been reported in the literature in individuals affected with ABCG8-related conditions. This variant is a gross deletion of the genomic region encompassing exon(s) 9-13 of the ABCG8 gene, which includes the termination codon. This deletion extends beyond the assayed region for this gene and therefore may encompass additional genes. While this deletion is not anticipated to lead to nonsense mediated decay, it is expected to alter mRNA translation or result in a truncated protein product.

Literature cited by the submitters: PubMed 11099417; PubMed 22297561.